The following is an entry in ClinVar:

NM_022124.6(CDH23):c.3740G>A (p.Arg1247His)

Genes: C10orf105 (chromosome 10 open reading frame 105; minus strand), CDH23 (cadherin related 23; plus strand). Cytogenetic location: 10q22.1.
Variant type: single nucleotide variant.
Coding change: c.3740G>A on transcript NM_022124.6 (MANE Select); coding-DNA position 3740, G replaced by A.
Protein change: p.Arg1247His; replaces arginine 1247 with histidine.
Molecular consequence: missense variant. On other transcripts: intron variant (1).
Genome position (GRCh38, 1-based): chr10:71,732,011, G>A. VCF-style: chr10-71732011-G-A. GRCh37 (hg19) VCF-style: chr10-73491768-G-A.
Other names: c.3740G>A, p.Arg1247His (NM_001171930.2); c.-6+5717C>T (NM_001168390.2); short protein forms R1247H.
Identifiers: ClinVar variation 2190987 (VCV002190987.1), dbSNP rs1246203490, ClinGen allele CA377155719.

ClinVar aggregate classification (germline): Uncertain significance (1 of 4 stars; one submission).

Allele frequency attached by ClinVar (database versions not stated): gnomAD 0.00001; gnomAD exomes 0.00001.
gnomAD v4.1: 25 of 1,613,746 alleles (0.0015%); highest among the groups gnomAD compares: Non-Finnish European, 0.0019%; no homozygotes.

Submission:

Labcorp Genetics (formerly Invitae), Labcorp
Classification: Uncertain significance. Last evaluated: 2022-02-11. Review status: criteria provided, single submitter. Criteria: Invitae Variant Classification Sherloc (09022015). Collection method: clinical testing. Allele origin: germline.
Comment: This sequence change replaces arginine, which is basic and polar, with histidine, which is basic and polar, at codon 1247 of the CDH23 protein (p.Arg1247His). The frequency data for this variant in the population databases is considered unreliable, as metrics indicate poor data quality at this position in the gnomAD database. This variant has not been reported in the literature in individuals affected with CDH23-related conditions. Algorithms developed to predict the effect of missense changes on protein structure and function output the following: SIFT: "Deleterious"; PolyPhen-2: "Not Available"; Align-GVGD: "Class C0". The histidine amino acid residue is found in multiple mammalian species, which suggests that this missense change does not adversely affect protein function. In summary, the available evidence is currently insufficient to determine the role of this variant in disease. Therefore, it has been classified as a Variant of Uncertain Significance.